The following is an entry in ClinVar:

ClinVar aggregate classification (germline): Uncertain significance (1 of 4 stars; one submission).

Conditions:
Familial adenomatous polyposis 1 (FAP1). Also called: FAMILIAL ADENOMATOUS POLYPOSIS 1, ATTENUATED; POLYPOSIS, ADENOMATOUS INTESTINAL. Identifiers: MedGen C2713442, MONDO:0021056, OMIM 175100. Disease mechanism: loss of function.

Submission:

Labcorp Genetics (formerly Invitae), Labcorp
Classification: Uncertain significance for Familial adenomatous polyposis 1. Last evaluated: 2024-11-24. Review status: criteria provided, single submitter. Criteria: Invitae Variant Classification Sherloc (09022015). Collection method: clinical testing. Allele origin: germline.
Comment: This sequence change replaces glycine, which is neutral and non-polar, with arginine, which is basic and polar, at codon 108 of the APC protein (p.Gly108Arg). This variant is not present in population databases (gnomAD no frequency). This variant has not been reported in the literature in individuals affected with APC-related conditions. Invitae Evidence Modeling of protein sequence and biophysical properties (such as structural, functional, and spatial information, amino acid conservation, physicochemical variation, residue mobility, and thermodynamic stability) indicates that this missense variant is not expected to disrupt APC protein function with a negative predictive value of 95%. In summary, the available evidence is currently insufficient to determine the role of this variant in disease. Therefore, it has been classified as a Variant of Uncertain Significance.

NM_000038.6(APC):c.322G>A (p.Gly108Arg)

Gene: APC (APC regulator of Wnt signaling pathway; plus strand). Cytogenetic location: 5q22.2.
Variant type: single nucleotide variant.
Coding change: c.322G>A on transcript NM_000038.6 (MANE Select); coding-DNA position 322, G replaced by A.
Protein change: p.Gly108Arg; replaces glycine 108 with arginine.
Molecular consequence: missense variant. On other transcripts: 5 prime UTR variant (4), non-coding transcript variant (2).
Genome position (GRCh38, 1-based): chr5:112,767,290, G>A. VCF-style: chr5-112767290-G-A. GRCh37 (hg19) VCF-style: chr5-112102987-G-A.
Other names: c.322G>A, p.Gly108Arg (NM_001127510.3, NM_001354895.2, NM_001354896.2 and 16 more transcripts); c.352G>A, p.Gly118Arg (NM_001127511.3, NM_001354897.2, NM_001354902.2 and 1 more transcripts); c.247G>A, p.Gly83Arg (NM_001354898.2, NM_001354904.2, NM_001407451.1); c.145G>A, p.Gly49Arg (NM_001354900.2, NM_001354901.2, NM_001354905.2 and 1 more transcripts); c.-714G>A (NM_001354906.2, NM_001407470.1, NM_001407471.1 and 1 more transcripts); short protein forms G118R, G83R, G108R, G49R.
Identifiers: ClinVar variation 3635393 (VCV003635393.2).